The following is an entry in ClinVar:

ClinVar aggregate classification (germline): Uncertain significance (1 of 4 stars; one submission).

Submission:

GeneDx
Classification: Uncertain significance. Last evaluated: 2025-03-04. Review status: criteria provided, single submitter. Criteria: GeneDx Variant Classification Process June 2021. Collection method: clinical testing. Allele origin: germline. Affected: yes.
Comment: Not observed at significant frequency in large population cohorts (gnomAD); In silico analysis indicates that this missense variant does not alter protein structure/function; Has not been previously published as pathogenic or benign to our knowledge

NM_000051.4(ATM):c.7849G>A (p.Val2617Ile)

Genes: ATM (ATM serine/threonine kinase; plus strand), C11orf65 (chromosome 11 open reading frame 65; minus strand). Cytogenetic location: 11q22.3.
Variant type: single nucleotide variant.
Coding change: c.7849G>A on transcript NM_000051.4 (MANE Select); coding-DNA position 7849, G replaced by A.
Protein change: p.Val2617Ile; replaces valine 2617 with isoleucine.
Molecular consequence: missense variant. On other transcripts: intron variant (2).
Genome position (GRCh38, 1-based): chr11:108,332,822, G>A. VCF-style: chr11-108332822-G-A. GRCh37 (hg19) VCF-style: chr11-108203549-G-A.
Other names: c.7849G>A, p.Val2617Ile (NM_001351834.2); c.641-23751C>T (NM_001330368.2); c.*38+2398C>T (NM_001351110.2); short protein forms V2617I.
Identifiers: ClinVar variation 4082875 (VCV004082875.1).
Genomic context (GRCh38, chr11:108,332,822, plus strand): 5'-GATCGAACAGAGGCTGCAAATAGAATAATATGTACTATCAGAAGTAGGAGACCTCAGATG[G>A]TCAGAAGTGTTGAGGCACTTTGTGATGCTTATATTATATTAGCAAACTTAGATGCCACTC-3'
Protein context (NP_000042.3, residues 2607-2627): CTIRSRRPQM[Val2617Ile]RSVEALCDAY